The following is an entry in ClinVar:

ClinVar aggregate classification (germline): Conflicting classifications of pathogenicity. Review status: criteria provided, conflicting classifications (1 of 4 stars). 3 submissions from 3 submitters: Pathogenic (2); Uncertain significance (1). Last evaluated 2025-01-15.

Conditions:
Becker muscular dystrophy, Cardiomyopathy, Duchenne muscular dystrophy, Dystrophin deficiency.
Duchenne muscular dystrophy (DMD). Also called: MUSCULAR DYSTROPHY, PSEUDOHYPERTROPHIC PROGRESSIVE, DUCHENNE TYPE; Duchenne Muscular Dystrophy (DMD). Identifiers: Orphanet 98896, MedGen C0013264, MONDO:0010679, OMIM 310200.

Submissions (3):

Revvity Omics, Revvity
Classification: Uncertain significance. Last evaluated: 2025-01-15. Review status: criteria provided, single submitter. Criteria: ACMG Guidelines, 2015. Collection method: clinical testing. Allele origin: germline.

Natera, Inc.
Classification: Pathogenic for Becker muscular dystrophy, Cardiomyopathy, Duchenne muscular dystrophy, Dystrophin deficiency. Last evaluated: 2024-12-02. Review status: criteria provided, single submitter. Criteria: Natera Variant Classification Schema (03/2026). Collection method: clinical testing. Allele origin: germline.
Comment: The c.30T>A variant in DMD is a nonsense variant predicted to introduce a stop codon at amino acid 10. This variant is expected to result in nonsense mediated decay, truncation, or a dysfunctional protein product. This variant is rare in the general population with a frequency below the threshold expected for the associated phenotype(s). This variant has been observed in one or more individuals affected with the associated recessive disease, as either homozygous or compound heterozygous with a second variant (PMID: 37754746). Given the available evidence, this variant is classified as Pathogenic.

Labcorp Genetics (formerly Invitae), Labcorp
Classification: Pathogenic for Duchenne muscular dystrophy. Last evaluated: 2023-12-11. Review status: criteria provided, single submitter. Criteria: Invitae Variant Classification Sherloc (09022015). Collection method: clinical testing. Allele origin: germline.
Comment: This sequence change creates a premature translational stop signal (p.Cys10*) in the DMD gene. It is expected to result in an absent or disrupted protein product. Loss-of-function variants in DMD are known to be pathogenic (PMID: 16770791, 25007885). This variant is not present in population databases (gnomAD no frequency). This variant has not been reported in the literature in individuals affected with DMD-related conditions. Algorithms developed to predict the effect of sequence changes on RNA splicing suggest that this variant may create or strengthen a splice site. For these reasons, this variant has been classified as Pathogenic.

Literature cited by the submitters: PubMed 37754746 (cited by Natera, Inc.); PubMed 16770791 (cited by Labcorp Genetics (formerly Invitae), Labcorp); PubMed 25007885 (cited by Labcorp Genetics (formerly Invitae), Labcorp).

NM_004006.3(DMD):c.30T>A (p.Cys10Ter)

Gene: DMD (dystrophin; minus strand). Cytogenetic location: Xp21.1.
Variant type: single nucleotide variant.
Coding change: c.30T>A on transcript NM_004006.3 (MANE Select); coding-DNA position 30, T replaced by A.
Protein change: p.Cys10Ter; replaces cysteine 10 with a stop codon.
Molecular consequence: nonsense. On other transcripts: intron variant (1).
Genome position (GRCh38, 1-based): chrX:33,211,283, A>T on the plus strand (T>A on the coding strand, the complement: DMD is on the minus strand). VCF-style: chrX-33211283-A-T. GRCh37 (hg19) VCF-style: chrX-33229400-A-T.
Other names: c.7+127976T>A (NM_000109.4); short protein forms C10*.
Identifiers: ClinVar variation 2979893 (VCV002979893.5), dbSNP rs2521941756, ClinGen allele CA412675103.